The following is an entry in ClinVar:

NM_002528.7(NTHL1):c.37C>G (p.Arg13Gly)

Gene: NTHL1 (nth like DNA glycosylase 1; minus strand). Cytogenetic location: 16p13.3.
Variant type: single nucleotide variant.
Coding change: c.37C>G on transcript NM_002528.7 (MANE Select); coding-DNA position 37, C replaced by G.
Protein change: p.Arg13Gly; replaces arginine 13 with glycine.
Molecular consequence: missense variant. On other transcripts: 5 prime UTR variant (1).
Genome position (GRCh38, 1-based): chr16:2,047,787, G>C on the plus strand (C>G on the coding strand, the complement: NTHL1 is on the minus strand). VCF-style: chr16-2047787-G-C. GRCh37 (hg19) VCF-style: chr16-2097788-G-C.
Other names: c.37C>G, p.Arg13Gly (NM_001318193.2); c.-142C>G (NM_001318194.2); short protein forms R13G.
Identifiers: ClinVar variation 2994882 (VCV002994882.3), dbSNP rs3087469, ClinGen allele CA394298553.

ClinVar aggregate classification (germline): Uncertain significance (1 of 4 stars; one submission).

Submission:

Labcorp Genetics (formerly Invitae), Labcorp
Classification: Uncertain significance. Last evaluated: 2023-09-25. Review status: criteria provided, single submitter. Criteria: Invitae Variant Classification Sherloc (09022015). Collection method: clinical testing. Allele origin: germline.
Comment: This sequence change replaces arginine, which is basic and polar, with glycine, which is neutral and non-polar, at codon 21 of the NTHL1 protein (p.Arg21Gly). This variant is not present in population databases (gnomAD no frequency). This variant has not been reported in the literature in individuals affected with NTHL1-related conditions. An algorithm developed to predict the effect of missense changes on protein structure and function (PolyPhen-2) suggests that this variant is likely to be tolerated. In summary, the available evidence is currently insufficient to determine the role of this variant in disease. Therefore, it has been classified as a Variant of Uncertain Significance.